The following is an entry in ClinVar:

ClinVar aggregate classification (germline): Uncertain significance. Review status: criteria provided, multiple submitters, no conflicts (2 of 4 stars). 2 submissions from 2 submitters: Uncertain significance (2). Last evaluated 2026-04-20.

Conditions:
Cardiovascular phenotype. Identifiers: MedGen CN230736.

Allele frequency attached by ClinVar (database versions not stated): TOPMed below 0.00001.
gnomAD v4.1: 2 of 1,614,140 alleles (0.00012%); highest among the groups gnomAD compares: Non-Finnish European, 0.00017%; no homozygotes.

Submissions (2):

Ambry Genetics
Classification: Uncertain significance for Cardiovascular phenotype. Last evaluated: 2026-04-20. Review status: criteria provided, single submitter. Criteria: Ambry Variant Classification Scheme 2023. Collection method: clinical testing. Allele origin: germline.
Comment: The p.V1648L variant (also known as c.4942G>C), located in coding exon 10 of the ALPK3 gene, results from a G to C substitution at nucleotide position 4942. The valine at codon 1648 is replaced by leucine, an amino acid with highly similar properties. This amino acid position is conserved. In addition, this alteration is predicted to be tolerated by in silico analysis. Based on the available evidence, the clinical significance of this variant remains unclear.

Labcorp Genetics (formerly Invitae), Labcorp
Classification: Uncertain significance. Last evaluated: 2023-08-24. Review status: criteria provided, single submitter. Criteria: Invitae Variant Classification Sherloc (09022015). Collection method: clinical testing. Allele origin: germline.
Comment: This variant is not present in population databases (gnomAD no frequency). This sequence change replaces valine, which is neutral and non-polar, with leucine, which is neutral and non-polar, at codon 1648 of the ALPK3 protein (p.Val1648Leu). This variant has not been reported in the literature in individuals affected with ALPK3-related conditions. ClinVar contains an entry for this variant (Variation ID: 1967920). An algorithm developed to predict the effect of missense changes on protein structure and function (PolyPhen-2) suggests that this variant is likely to be disruptive. In summary, the available evidence is currently insufficient to determine the role of this variant in disease. Therefore, it has been classified as a Variant of Uncertain Significance.

NM_020778.5(ALPK3):c.4336G>C (p.Val1446Leu)

Gene: ALPK3 (alpha kinase 3; plus strand). Cytogenetic location: 15q25.3.
Variant type: single nucleotide variant.
Coding change: c.4336G>C on transcript NM_020778.5 (MANE Select); coding-DNA position 4336, G replaced by C.
Protein change: p.Val1446Leu; replaces valine 1446 with leucine.
Molecular consequence: missense variant.
Genome position (GRCh38, 1-based): chr15:84,862,841, G>C. VCF-style: chr15-84862841-G-C. GRCh37 (hg19) VCF-style: chr15-85406072-G-C.
Other names: c.4942G>C (NM_020778.4); short protein forms V1446L.
Identifiers: ClinVar variation 1967920 (VCV001967920.7), dbSNP rs1963963607, ClinGen allele CA393363257.